The following is an entry in ClinVar:

ClinVar aggregate classification (germline): Uncertain significance (1 of 4 stars; one submission).

Conditions:
Adenylosuccinate lyase deficiency (ADSLD). Also called: ADSL DEFICIENCY. Identifiers: Orphanet 46, MedGen C0268126, MONDO:0007068, OMIM 103050.

Submission:

Labcorp Genetics (formerly Invitae), Labcorp
Classification: Uncertain significance for Adenylosuccinate lyase deficiency. Last evaluated: 2025-02-10. Review status: criteria provided, single submitter. Criteria: Invitae Variant Classification Sherloc (09022015). Collection method: clinical testing. Allele origin: germline.
Comment: This variant occurs in a non-coding region of the ADSL gene. It does not change the encoded amino acid sequence of the ADSL protein. This variant is not present in population databases (gnomAD no frequency). This variant has not been reported in the literature in individuals affected with ADSL-related conditions. Experimental studies and prediction algorithms are not available or were not evaluated, and the functional significance of this variant is currently unknown. In summary, the available evidence is currently insufficient to determine the role of this variant in disease. Therefore, it has been classified as a Variant of Uncertain Significance.

NC_000022.11:g.40346362C>G

Gene: ADSL (adenylosuccinate lyase; plus strand). Cytogenetic location: 22q13.1.
Variant type: single nucleotide variant.
Genome position: GRCh38 VCF-style: chr22-40346362-C-G. GRCh37 (hg19) VCF-style: chr22-40742366-C-G.
Identifiers: ClinVar variation 4775664 (VCV004775664.1).
Genomic context (GRCh38, chr22:40,346,362, plus strand): 5'-CAGGAAAACTAAAGTGTAGCGCGGCTAAGTAACGTAGGAAGCATCAATCATGTTTCTGGT[C>G]AAAGAAGCGAACCAAGTCAATTCTCAGGCAGAAGCAGCGGAGATTCTCCGCAGCCGGCAG-3'